The following is an entry in ClinVar:

ClinVar aggregate classification (germline): Uncertain significance (1 of 4 stars; one submission).

Conditions:
BCS1L-related disorder. Also called: BCS1L-related condition; BCS1L-related disorders. Identifiers: MedGen CN239240.

Submission:

3billion
Classification: Uncertain significance for BCS1L-related disorder. Last evaluated: 2025-09-08. Review status: criteria provided, single submitter. Criteria: ACMG Guidelines, 2015. Collection method: clinical testing. Allele origin: germline. Affected: yes.
Comment: The variant is not observed in the gnomAD v4.1.0 dataset. Predicted Consequence/Location: Missense variant In silico tool predictions suggest damaging effect of the variant on gene or gene product [REVEL: 0.74 (>=0.6, sensitivity 0.68 and specificity 0.92); 3Cnet: 1.00 (> 0.75, sensitivity 0.96 and precision 0.92)]. Different missense changes at the same codon have been reported as of uncertain significance (ClinVar ID: VCV001690724). Therefore, this variant is classified as VUS according to the recommendation of ACMG/AMP guideline.

NM_001079866.2(BCS1L):c.392C>G (p.Pro131Arg)

Gene: BCS1L (BCS1 ubiquinol-cytochrome c reductase complex chaperone; plus strand). Cytogenetic location: 2q35.
Variant type: single nucleotide variant.
Coding change: c.392C>G on transcript NM_001079866.2 (MANE Select); coding-DNA position 392, C replaced by G.
Protein change: p.Pro131Arg; replaces proline 131 with arginine.
Molecular consequence: missense variant. On other transcripts: 5 prime UTR variant (5), non-coding transcript variant (1), intron variant (1).
Genome position (GRCh38, 1-based): chr2:218,661,477, C>G. VCF-style: chr2-218661477-C-G. GRCh37 (hg19) VCF-style: chr2-219526200-C-G.
Other names: c.392C>G, p.Pro131Arg (NM_001257342.2, NM_001257343.2, NM_001257344.2 and 10 more transcripts); c.32C>G, p.Pro11Arg (NM_001318836.2, NM_001371451.1); c.-85C>G (NM_001371453.1, NM_001371454.1, NM_001371455.1 and 2 more transcripts); c.-41-282C>G (NM_001371452.1); short protein forms P11R, P131R.
Identifiers: ClinVar variation 4854275 (VCV004854275.1).
Genomic context (GRCh38, chr2:218,661,477, plus strand): 5'-AATGGATTCGGGTAGAACGAAGTCGAGAGATGCAGATGATAGACTTGCAGACGGGGACTC[C>G]TTGGGAATCTGTCACCTTCACGGCCCTGGGCACTGACCGAAAGGTTTTCTTCAACATCCT-3'
Protein context (NP_001073335.1, residues 121-141): MQMIDLQTGT[Pro131Arg]WESVTFTALG